The following is an entry in ClinVar:

NM_004130.4(GYG1):c.716A>C (p.Asn239Thr)

Gene: GYG1 (glycogenin 1; plus strand). Cytogenetic location: 3q24.
Variant type: single nucleotide variant.
Coding change: c.716A>C on transcript NM_004130.4 (MANE Select); coding-DNA position 716, A replaced by C.
Protein change: p.Asn239Thr; replaces asparagine 239 with threonine.
Molecular consequence: missense variant. On other transcripts: intron variant (1).
Genome position (GRCh38, 1-based): chr3:149,024,160, A>C. VCF-style: chr3-149024160-A-C. GRCh37 (hg19) VCF-style: chr3-148741947-A-C.
Other names: c.716A>C, p.Asn239Thr (NM_001184720.2); c.609-2600A>C (NM_001184721.2); c.716A>C (NM_004130.3); short protein forms N239T.
Identifiers: ClinVar variation 1480244 (VCV001480244.6), dbSNP rs759134229, ClinGen allele CA85517960.
Genomic context (GRCh38, chr3:149,024,160, plus strand): 5'-CATGGAATTATACTTATGATCCCAAAACAAAAAGTGTCAAAAGTGAGGCCCATGATCCCA[A>C]CATGACTCATCCAGAGTTTCTCATCCTGTGGTGGAACATCTTTACCACCAACGTTTTACC-3'
Protein context (NP_004121.2, residues 229-249): KSVKSEAHDP[Asn239Thr]MTHPEFLILW

ClinVar aggregate classification (germline): Conflicting classifications of pathogenicity. Review status: criteria provided, conflicting classifications (1 of 4 stars). 2 submissions from 2 submitters: Uncertain significance (1); Likely benign (1). Last evaluated 2024-12-31.

Conditions:
Glycogen storage disease XV (GSD15). Also called: GLYCOGENIN DEFICIENCY; GSD XV. Identifiers: Orphanet 263297, MedGen C3150754, MONDO:0013291, OMIM 613507.
Polyglucosan body myopathy type 2. Identifiers: Orphanet 456369, MedGen C4015452, MONDO:0014526, OMIM 616199.
Inborn genetic diseases. Identifiers: MedGen C0950123, MeSH D030342.

Allele frequency attached by ClinVar (database versions not stated): gnomAD exomes below 0.00001; gnomAD 0.00002 and 0.00003.
gnomAD v4.1: 17 of 1,613,264 alleles (0.0011%); highest among the groups gnomAD compares: Non-Finnish European, 0.0012%; no homozygotes.

Submissions (2):

Ambry Genetics
Classification: Likely benign for Inborn genetic diseases. Last evaluated: 2024-12-31. Review status: criteria provided, single submitter. Criteria: Ambry Variant Classification Scheme 2023. Collection method: clinical testing. Allele origin: germline.

Labcorp Genetics (formerly Invitae), Labcorp
Classification: Uncertain significance for Polyglucosan body myopathy type 2; Glycogen storage disease XV. Last evaluated: 2021-09-01. Review status: criteria provided, single submitter. Criteria: Invitae Variant Classification Sherloc (09022015). Collection method: clinical testing. Allele origin: germline.
Comment: This sequence change replaces asparagine with threonine at codon 239 of the GYG1 protein (p.Asn239Thr). The asparagine residue is weakly conserved and there is a small physicochemical difference between asparagine and threonine. This variant is not present in population databases (ExAC no frequency). This variant has not been reported in the literature in individuals affected with GYG1-related conditions. Algorithms developed to predict the effect of missense changes on protein structure and function output the following: SIFT: "Tolerated"; PolyPhen-2: "Benign"; Align-GVGD: "Class C0". The threonine amino acid residue is found in multiple mammalian species, which suggests that this missense change does not adversely affect protein function. In summary, the available evidence is currently insufficient to determine the role of this variant in disease. Therefore, it has been classified as a Variant of Uncertain Significance.